The following is an entry in ClinVar:

NM_000018.4(ACADVL):c.644G>C (p.Cys215Ser)

Gene: ACADVL (acyl-CoA dehydrogenase very long chain; plus strand). Cytogenetic location: 17p13.1.
Variant type: single nucleotide variant.
Coding change: c.644G>C on transcript NM_000018.4 (MANE Select); coding-DNA position 644, G replaced by C.
Protein change: p.Cys215Ser; replaces cysteine 215 with serine.
Molecular consequence: missense variant.
Genome position (GRCh38, 1-based): chr17:7,221,973, G>C. VCF-style: chr17-7221973-G-C. GRCh37 (hg19) VCF-style: chr17-7125292-G-C.
Other names: c.644G>C (NM_000018.3); c.578G>C, p.Cys193Ser (NM_001033859.3); c.713G>C, p.Cys238Ser (NM_001270447.2); c.416G>C, p.Cys139Ser (NM_001270448.2); short protein forms C215S, C238S, C139S, C193S.
Identifiers: ClinVar variation 2187031 (VCV002187031.3), dbSNP rs761405004, ClinGen allele CA8337800.

ClinVar aggregate classification (germline): Conflicting classifications of pathogenicity. Review status: criteria provided, conflicting classifications (1 of 4 stars). 3 submissions from 3 submitters: Likely pathogenic (1); Uncertain significance (2). Last evaluated 2025-02-14.

Conditions:
Very long chain acyl-CoA dehydrogenase deficiency (ACADVLD). Also called: VLCAD Deficiency; Very Long-Chain Acyl-Coenzyme A Dehydrogenase Deficiency. Identifiers: Orphanet 26793, MedGen C3887523, MONDO:0008723, OMIM 201475.

Allele frequency attached by ClinVar (database versions not stated): ExAC 0.00001; gnomAD exomes 0.00001.
gnomAD v4.1: 20 of 1,614,052 alleles (0.0012%); highest among the groups gnomAD compares: Non-Finnish European, 0.0016%; no homozygotes.

Submissions (3):

Natera, Inc.
Classification: Likely pathogenic for Very long chain acyl-CoA dehydrogenase deficiency. Last evaluated: 2025-02-14. Review status: criteria provided, single submitter. Criteria: Natera Variant Classification Schema (03/2026). Collection method: clinical testing. Allele origin: germline.
Comment: The c.644G>C variant in ACADVL is a missense variant predicted to cause substitution of cysteine to serine at amino acid 215. This variant is rare in the general population with a frequency below the threshold expected for the associated phenotype(s). This variant is located in a functionally critical region of the protein. A different variant at the same position has been determined to be Pathogenic or Likely Pathogenic. Computational prediction algorithms indicate this variant is likely to affect gene or protein function. Given the available evidence, this variant is classified as Likely Pathogenic.

Blueprint Genetics
Classification: Uncertain significance. Last evaluated: 2024-06-25. Review status: criteria provided, single submitter. Criteria: ACMG Guidelines, 2015. Collection method: clinical testing. Allele origin: germline.

Labcorp Genetics (formerly Invitae), Labcorp
Classification: Uncertain significance for Very long chain acyl-CoA dehydrogenase deficiency. Last evaluated: 2021-08-31. Review status: criteria provided, single submitter. Criteria: Invitae Variant Classification Sherloc (09022015). Collection method: clinical testing. Allele origin: germline.
Comment: This sequence change replaces cysteine with serine at codon 215 of the ACADVL protein (p.Cys215Ser). The cysteine residue is moderately conserved and there is a moderate physicochemical difference between cysteine and serine. This variant is present in population databases (rs761405004, ExAC 0.002%). This variant has not been reported in the literature in individuals affected with ACADVL-related conditions. Algorithms developed to predict the effect of missense changes on protein structure and function are either unavailable or do not agree on the potential impact of this missense change (SIFT: "Tolerated"; PolyPhen-2: "Possibly Damaging"; Align-GVGD: "Class C0"). In summary, the available evidence is currently insufficient to determine the role of this variant in disease. Therefore, it has been classified as a Variant of Uncertain Significance.